The following is an entry in ClinVar:

ClinVar aggregate classification (germline): Uncertain significance. Review status: criteria provided, multiple submitters, no conflicts (2 of 4 stars). 2 submissions from 2 submitters: Uncertain significance (2). Last evaluated 2024-04-29.

Conditions:
Hereditary cancer-predisposing syndrome. Also called: Neoplastic Syndromes, Hereditary; Tumor predisposition; Hereditary Cancer Syndrome; Hereditary neoplastic syndrome. Identifiers: Orphanet 140162, MedGen C0027672, MeSH D009386, MONDO:0015356.
Neuroblastoma, susceptibility to, 3. Also called: ALK-Related Neuroblastic Tumor Susceptibility. Identifiers: Orphanet 635, MedGen C2751681, MONDO:0013083, OMIM 613014.

Allele frequency attached by ClinVar (database versions not stated): ExAC below 0.00001; gnomAD 0.00001.

Submissions (2):

Labcorp Genetics (formerly Invitae), Labcorp
Classification: Uncertain significance for Neuroblastoma, susceptibility to, 3. Last evaluated: 2024-04-29. Review status: criteria provided, single submitter. Criteria: Invitae Variant Classification Sherloc (09022015). Collection method: clinical testing. Allele origin: germline.
Comment: This sequence change replaces tryptophan, which is neutral and slightly polar, with cysteine, which is neutral and slightly polar, at codon 8 of the ALK protein (p.Trp8Cys). This variant is not present in population databases (gnomAD no frequency). This variant has not been reported in the literature in individuals affected with ALK-related conditions. ClinVar contains an entry for this variant (Variation ID: 538174). An algorithm developed to predict the effect of missense changes on protein structure and function (PolyPhen-2) suggests that this variant is likely to be tolerated. In summary, the available evidence is currently insufficient to determine the role of this variant in disease. Therefore, it has been classified as a Variant of Uncertain Significance.

Ambry Genetics
Classification: Uncertain significance for Hereditary cancer-predisposing syndrome. Last evaluated: 2024-04-27. Review status: criteria provided, single submitter. Criteria: Ambry Variant Classification Scheme 2023. Collection method: clinical testing. Allele origin: germline.
Comment: The p.W8C variant (also known as c.24G>T), located in coding exon 1 of the ALK gene, results from a G to T substitution at nucleotide position 24. The tryptophan at codon 8 is replaced by cysteine, an amino acid with highly dissimilar properties. This amino acid position is conserved. In addition, the in silico prediction for this alteration is inconclusive. Based on the available evidence, the clinical significance of this variant remains unclear.

NM_004304.5(ALK):c.24G>T (p.Trp8Cys)

Gene: ALK (ALK receptor tyrosine kinase; minus strand). Cytogenetic location: 2p23.1.
Variant type: single nucleotide variant.
Coding change: c.24G>T on transcript NM_004304.5 (MANE Select); coding-DNA position 24, G replaced by T.
Protein change: p.Trp8Cys; replaces tryptophan 8 with cysteine.
Molecular consequence: missense variant.
Genome position (GRCh38, 1-based): chr2:29,920,636, C>A on the plus strand (G>T on the coding strand, the complement: ALK is on the minus strand). VCF-style: chr2-29920636-C-A. GRCh37 (hg19) VCF-style: chr2-30143502-C-A.
Other names: short protein forms W8C.
Identifiers: ClinVar variation 538174 (VCV000538174.11), dbSNP rs749905243, ClinGen allele CA1595074.